The following is an entry in ClinVar:

NM_000350.3(ABCA4):c.4775G>T (p.Gly1592Val)

Genes: ABCA4 (ATP binding cassette subfamily A member 4; minus strand), LOC126805793 (CDK7 strongly-dependent group 2 enhancer GRCh37_chr1:94486302-94487501; plus strand). Cytogenetic location: 1p22.1.
Variant type: single nucleotide variant.
Coding change: c.4775G>T on transcript NM_000350.3 (MANE Select); coding-DNA position 4775, G replaced by T.
Protein change: p.Gly1592Val; replaces glycine 1592 with valine.
Molecular consequence: missense variant.
Genome position (GRCh38, 1-based): chr1:94,021,713, C>A on the plus strand (G>T on the coding strand, the complement: ABCA4 is on the minus strand). VCF-style: chr1-94021713-C-A. GRCh37 (hg19) VCF-style: chr1-94487269-C-A.
Other names: c.4553G>T, p.Gly1518Val (NM_001425324.1); short protein forms G1592V, G1518V.
Identifiers: ClinVar variation 1924452 (VCV001924452.5), dbSNP rs1425552175, ClinGen allele CA341283718.
Genomic context (GRCh38, chr1:94,021,713, plus strand): 5'-TCAGTTTCTAGATGTTTAAGGAAATCAGGTATTTCTTTAGAGGCCTCTCTAGTGATAGGG[C>A]CCTAAAAACCATGTAAACAAACAAACAAGACGGTTTTAATTTTTTTTTCCTGTTATCACT-3'
Protein context (NP_000341.2, residues 1582-1602): DLGRIMNVSG[Gly1592Val]PITREASKEI

ClinVar aggregate classification (germline): Uncertain significance (1 of 4 stars; one submission).

Submission:

Labcorp Genetics (formerly Invitae), Labcorp
Classification: Uncertain significance. Last evaluated: 2022-01-28. Review status: criteria provided, single submitter. Criteria: Invitae Variant Classification Sherloc (09022015). Collection method: clinical testing. Allele origin: germline.
Comment: This variant disrupts the p.Gly1592 amino acid residue in ABCA4. Other variant(s) that disrupt this residue have been determined to be pathogenic (PMID: 30060493, 32845068, 33301772; Invitae). This suggests that this residue is clinically significant, and that variants that disrupt this residue are likely to be disease-causing. In summary, the available evidence is currently insufficient to determine the role of this variant in disease. Therefore, it has been classified as a Variant of Uncertain Significance. Algorithms developed to predict the effect of missense changes on protein structure and function (SIFT, PolyPhen-2, Align-GVGD) all suggest that this variant is likely to be disruptive. This missense change has been observed in individual(s) with clinical features of ABCA4-related conditions (Invitae). This variant is not present in population databases (gnomAD no frequency). This sequence change replaces glycine, which is neutral and non-polar, with valine, which is neutral and non-polar, at codon 1592 of the ABCA4 protein (p.Gly1592Val).

Literature cited by the submitters: PubMed 30060493; PubMed 32845068; PubMed 33301772.